The following is an entry in ClinVar:

NM_018006.5(TRMU):c.10T>G (p.Leu4Val)

Gene: TRMU (tRNA mitochondrial 2-thiouridylase; plus strand). Cytogenetic location: 22q13.31.
Variant type: single nucleotide variant.
Coding change: c.10T>G on transcript NM_018006.5 (MANE Select); coding-DNA position 10, T replaced by G.
Protein change: p.Leu4Val; replaces leucine 4 with valine.
Molecular consequence: missense variant. On other transcripts: 5 prime UTR variant (3), non-coding transcript variant (2).
Genome position (GRCh38, 1-based): chr22:46,335,774, T>G. VCF-style: chr22-46335774-T-G. GRCh37 (hg19) VCF-style: chr22-46731671-T-G.
Other names: p.L4V:TTG>GTG; p.Leu4Val; c.-226T>G (NM_001282782.2); c.-245T>G (NM_001282783.2, NM_001282784.2); c.10T>G, p.Leu4Val (NM_001282785.2); short protein forms L4V.
Identifiers: ClinVar variation 137720 (VCV000137720.12), dbSNP rs114302881, ClinGen allele CA291390.
Genomic context (GRCh38, chr22:46,335,774, plus strand): 5'-AAGGCGCGGAAGCGGCGGTAGCTGCAGCTGGCGAAGTTGGGCGACTGGCGGATGCAGGCC[T>G]TGCGGCACGTCGTGTGCGCCCTGTCCGGCGGCGTGGACAGCGCCGTGGCCGCGCTGCTGC-3'
Protein context (NP_060476.2, residues 1-14): MQA[Leu4Val]RHVVCALSGG

ClinVar aggregate classification (germline): Benign/Likely benign. Review status: criteria provided, multiple submitters, no conflicts (2 of 4 stars). 6 submissions from 6 submitters: Benign (3); Likely benign (2). 1 of the submissions does not count toward it. Last evaluated 2023-01-29.

Conditions:
Acute infantile liver failure due to synthesis defect of mtDNA-encoded proteins. Also called: TRMU Deficiency; Liver failure acute infantile; LIVER FAILURE, INFANTILE, TRANSIENT. Identifiers: Orphanet 217371, MedGen C3278664, MONDO:0013111, OMIM 613070.

Allele frequency attached by ClinVar (database versions not stated): ESP Exome Variant Server 0.01610; 1000 Genomes Project 30x 0.03357; gnomAD 0.02970 and 0.02752; TOPMed 0.03101; gnomAD exomes 0.00594; ExAC 0.01239; 1000 Genomes Project 0.03035.
gnomAD v4.1: 8,153 of 1,552,306 alleles (0.53%); highest among the groups gnomAD compares: African/African-American, 9.3%; 334 homozygotes.

Submissions (6):

Mayo Clinic Laboratories, Mayo Clinic
Classification: Benign. Last evaluated: 2023-01-29. Review status: criteria provided, single submitter. Criteria: ACMG Guidelines, 2015. Collection method: clinical testing. Allele origin: germline. Observed: 27 variant alleles.

Illumina Laboratory Services, Illumina
Classification: Likely benign for Acute infantile liver failure due to synthesis defect of mtDNA-encoded proteins. Last evaluated: 2017-04-27. Review status: criteria provided, single submitter. Criteria: ICSL Variant Classification Criteria 13 December 2019. Collection method: clinical testing. Allele origin: germline.
Comment: This variant was observed as part of a predisposition screen in an ostensibly healthy population. A literature search was performed for the gene, cDNA change, and amino acid change (where applicable). No publications were found based on this search. Allele frequency data from public databases allowed determination this variant is unlikely to cause disease. Therefore, this variant is classified as likely benign.

Eurofins Ntd Llc (ga)
Classification: Benign. Last evaluated: 2015-07-02. Review status: criteria provided, single submitter. Criteria: EGL Classification Definitions 2015. Collection method: clinical testing. Allele origin: germline. Observed: 1 variant allele, 1 heterozygote.

GeneDx
Classification: Benign. Last evaluated: 2014-02-09. Review status: criteria provided, single submitter. Criteria: GeneDx Variant Classification (06012015). Collection method: clinical testing. Allele origin: germline. Affected: yes.
Comment: This variant is considered likely benign or benign based on one or more of the following criteria: it is a conservative change, it occurs at a poorly conserved position in the protein, it is predicted to be benign by multiple in silico algorithms, and/or has population frequency not consistent with disease.

Breakthrough Genomics
Classification: Likely benign. Review status: criteria provided, single submitter. Criteria: ACMG Guidelines, 2015. Collection method: not provided. Allele origin: germline. Inheritance: Autosomal dominant inheritance. Affected: yes.

Natera, Inc.
Classification: Benign for Transient infantile liver failure. Last evaluated: 2020-09-16. Review status: no assertion criteria provided. Collection method: clinical testing. Allele origin: germline. Not counted in ClinVar's aggregate classification.